The following is an entry in ClinVar:

NM_006790.3(MYOT):c.1336del (p.Gln446fs)

Genes: MYOT (myotilin; plus strand), PKD2L2-DT (PKD2L2 divergent transcript; minus strand). Cytogenetic location: 5q31.2.
Variant type: Deletion.
Coding change: c.1336del on transcript NM_006790.3 (MANE Select); coding-DNA position 1336, one base deleted (C; older notation c.1336delC).
Protein change: p.Gln446fs; shifts the reading frame from glutamine 446.
Molecular consequence: frameshift variant.
Genome position (GRCh38, 1-based): chr5:137,887,224, C deleted; the last of 2 consecutive C bases (chr5:137,887,223-137,887,224); deleting either gives the same sequence. VCF-style (leftmost placement, unchanged base first): chr5-137887222-AC-A. GRCh37 (hg19) VCF-style: chr5-137222911-AC-A.
Other names: c.784del, p.Gln262fs (NM_001135940.2); c.991del, p.Gln331fs (NM_001300911.2); short protein forms Q262fs, Q331fs, Q446fs.
Identifiers: ClinVar variation 2445938 (VCV002445938.1), dbSNP rs2532026651, ClinGen allele CA2580072759.

ClinVar aggregate classification (germline): Uncertain significance (1 of 4 stars; one submission).

Submission:

Women's Health and Genetics/Laboratory Corporation of America, LabCorp
Classification: Uncertain significance. Last evaluated: 2023-02-03. Review status: criteria provided, single submitter. Criteria: LabCorp Variant Classification Summary - May 2015. Collection method: clinical testing. Allele origin: germline.
Comment: Variant summary: MYOT c.1336delC (p.Gln446LysfsX19) results in a premature termination codon, predicted to cause a truncation of the encoded protein or absence of the protein due to nonsense mediated decay, which is not known mechanisms for disease. The variant was absent in 251442 control chromosomes. To our knowledge, no occurrence of c.1336delC in individuals affected with Spheroid Body Myopathy and no experimental evidence demonstrating its impact on protein function have been reported. No clinical diagnostic laboratories have submitted clinical-significance assessments for this variant to ClinVar after 2014. Based on the evidence outlined above, the variant was classified as VUS.